The following is an entry in ClinVar:

NM_000392.5(ABCC2):c.3148G>A (p.Val1050Ile)

Gene: ABCC2 (ATP binding cassette subfamily C member 2; plus strand). Cytogenetic location: 10q24.2.
Variant type: single nucleotide variant.
Coding change: c.3148G>A on transcript NM_000392.5 (MANE Select); coding-DNA position 3148, G replaced by A.
Protein change: p.Val1050Ile; replaces valine 1050 with isoleucine.
Molecular consequence: missense variant.
Genome position (GRCh38, 1-based): chr10:99,832,021, G>A. VCF-style: chr10-99832021-G-A. GRCh37 (hg19) VCF-style: chr10-101591778-G-A.
Other names: short protein forms V1050I.
Identifiers: ClinVar variation 3128006 (VCV003128006.3), dbSNP rs777490403, ClinGen allele CA5643704.
Genomic context (GRCh38, chr10:99,832,021, plus strand): 5'-CTGCTTCCATCTCTAGGTATATTTGTGTTCATAGCACATTTCTGGAGTGCCTTTGGTTTC[G>A]TCCATGCATCAAATATCTTGCACAAGCAACTGCTGAACAATATCCTTCGAGCACCTATGA-3'
Protein context (NP_000383.2, residues 1040-1060): IAHFWSAFGF[Val1050Ile]HASNILHKQL

ClinVar aggregate classification (germline): Uncertain significance. Review status: criteria provided, multiple submitters, no conflicts (2 of 4 stars). 2 submissions from 2 submitters: Uncertain significance (2). Last evaluated 2024-09-11.

Conditions:
Inborn genetic diseases. Identifiers: MedGen C0950123, MeSH D030342.

Allele frequency attached by ClinVar (database versions not stated): ExAC 0.00004; TOPMed 0.00005; gnomAD 0.00007; gnomAD exomes 0.00007.
gnomAD v4.1: 118 of 1,614,046 alleles (0.0073%); highest among the groups gnomAD compares: Non-Finnish European, 0.0083%; no homozygotes.

Submissions (2):

Labcorp Genetics (formerly Invitae), Labcorp
Classification: Uncertain significance. Last evaluated: 2024-09-11. Review status: criteria provided, single submitter. Criteria: Invitae Variant Classification Sherloc (09022015). Collection method: clinical testing. Allele origin: germline.
Comment: This sequence change replaces valine, which is neutral and non-polar, with isoleucine, which is neutral and non-polar, at codon 1050 of the ABCC2 protein (p.Val1050Ile). This variant is present in population databases (rs777490403, gnomAD 0.006%). This variant has not been reported in the literature in individuals affected with ABCC2-related conditions. Invitae Evidence Modeling of protein sequence and biophysical properties (such as structural, functional, and spatial information, amino acid conservation, physicochemical variation, residue mobility, and thermodynamic stability) indicates that this missense variant is not expected to disrupt ABCC2 protein function with a negative predictive value of 80%. In summary, the available evidence is currently insufficient to determine the role of this variant in disease. Therefore, it has been classified as a Variant of Uncertain Significance.

Ambry Genetics
Classification: Uncertain significance for Inborn genetic diseases. Last evaluated: 2021-07-06. Review status: criteria provided, single submitter. Criteria: Ambry Variant Classification Scheme 2023. Collection method: clinical testing. Allele origin: germline.